The following is an entry in ClinVar:

ClinVar aggregate classification (germline): Uncertain significance (1 of 4 stars; one submission).

Conditions:
Dystonia 12 (DYT12). Also called: DYT-ATP1A3; Rapid-Onset Dystonia-Parkinsonism (RDP). Identifiers: Orphanet 71517, MedGen C1868681, MONDO:0007496, OMIM 128235.

Allele frequency attached by ClinVar (database versions not stated): gnomAD exomes below 0.00001; ExAC 0.00001.
gnomAD v4.1: 1 of 1,614,188 alleles (0.000062%); highest among the groups gnomAD compares: Non-Finnish European, 0.000085%; no homozygotes.

Submission:

Labcorp Genetics (formerly Invitae), Labcorp
Classification: Uncertain significance for Dystonia 12. Last evaluated: 2022-10-13. Review status: criteria provided, single submitter. Criteria: Invitae Variant Classification Sherloc (09022015). Collection method: clinical testing. Allele origin: germline.
Comment: In summary, the available evidence is currently insufficient to determine the role of this variant in disease. Therefore, it has been classified as a Variant of Uncertain Significance. Variants that disrupt the consensus splice site are a relatively common cause of aberrant splicing (PMID: 17576681, 9536098). Algorithms developed to predict the effect of sequence changes on RNA splicing suggest that this variant may create or strengthen a splice site. ClinVar contains an entry for this variant (Variation ID: 1056485). This variant has been observed in at least one individual who was not affected with ATP1A3-related conditions (Invitae). This variant has been observed in individual(s) with ATP1A3-related conditions (Invitae). This variant is present in population databases (rs782545260, gnomAD 0.0009%). This sequence change falls in intron 2 of the ATP1A3 gene. It does not directly change the encoded amino acid sequence of the ATP1A3 protein. It affects a nucleotide within the consensus splice site.

Literature cited by the submitters: PubMed 17576681; PubMed 9536098.

NM_152296.5(ATP1A3):c.93+4A>G

Gene: ATP1A3 (ATPase Na+/K+ transporting subunit alpha 3; minus strand). Cytogenetic location: 19q13.2.
Variant type: single nucleotide variant.
Coding change: c.93+4A>G on transcript NM_152296.5 (MANE Select); 4 bases into the intron after coding-DNA position 93, A replaced by G.
Molecular consequence: intron variant.
Genome position (GRCh38, 1-based): chr19:41,988,472, T>C on the plus strand (A>G on the coding strand, the complement: ATP1A3 is on the minus strand). VCF-style: chr19-41988472-T-C. GRCh37 (hg19) VCF-style: chr19-42492624-T-C.
Other names: c.132+4A>G (NM_001256214.2); c.126+4A>G (NM_001256213.2).
Identifiers: ClinVar variation 1056485 (VCV001056485.9), dbSNP rs782545260, ClinGen allele CA9467972.